The following is an entry in ClinVar:

NM_058216.3(RAD51C):c.666A>G (p.Gln222=)

Genes: RAD51C (RAD51 paralog C; plus strand), LOC129390903 (MPRA-validated peak2919 silencer; plus strand). Cytogenetic location: 17q22.
Variant type: single nucleotide variant.
Coding change: c.666A>G on transcript NM_058216.3 (MANE Select); coding-DNA position 666, A replaced by G.
Protein change: p.Gln222=; no amino-acid change (glutamine 222 retained).
Molecular consequence: synonymous variant. On other transcripts: non-coding transcript variant (1).
Genome position (GRCh38, 1-based): chr17:58,703,290, A>G. VCF-style: chr17-58703290-A-G. GRCh37 (hg19) VCF-style: chr17-56780651-A-G.
Identifiers: ClinVar variation 758361 (VCV000758361.11), dbSNP rs1567794382, ClinGen allele CA501075242.
Genomic context (GRCh38, chr17:58,703,290, plus strand): 5'-TAATATTCTTTCTCATATTTATTATTTTCGCTGTCGTGACTACACAGAGTTACTGGCACA[A>G]GTTTATCTTCTTCCAGATTTCCTTTCAGAACACTCAAAGGTATGAGTCAGACTACTGAAA-3'
Protein context (NP_478123.1, residues 212-232): RCRDYTELLA[Gln222=]VYLLPDFLSE

ClinVar aggregate classification (germline): Likely benign. Review status: criteria provided, multiple submitters, no conflicts (2 of 4 stars). 3 submissions from 3 submitters: Likely benign (2). 1 of the submissions does not count toward it. Last evaluated 2026-02-01.

Conditions:
Hereditary cancer-predisposing syndrome. Also called: Tumor predisposition; Neoplastic Syndromes, Hereditary; Hereditary Cancer Syndrome; Hereditary neoplastic syndrome. Identifiers: Orphanet 140162, MedGen C0027672, MeSH D009386, MONDO:0015356.
Fanconi anemia complementation group O. Also called: RAD51C-Related Fanconi Anemia. Identifiers: Orphanet 84, MedGen C3150653, MONDO:0013248, OMIM 613390.

Submissions (3):

Ambry Genetics
Classification: Likely benign for Hereditary cancer-predisposing syndrome. Last evaluated: 2026-02-01. Review status: criteria provided, single submitter. Criteria: Ambry Variant Classification Scheme 2023. Collection method: clinical testing. Allele origin: germline.

Labcorp Genetics (formerly Invitae), Labcorp
Classification: Likely benign for Fanconi anemia complementation group O. Last evaluated: 2021-12-24. Review status: criteria provided, single submitter. Criteria: Invitae Variant Classification Sherloc (09022015). Collection method: clinical testing. Allele origin: germline.

Leiden Open Variation Database
Classification: Uncertain significance. Last evaluated: 2016-11-12. Review status: no assertion criteria provided. Collection method: curation. Allele origin: germline. Affected: yes. Not counted in ClinVar's aggregate classification.
Comment: Curator: Arleen D. Auerbach. Submitter to LOVD: Andreas Laner.